The following is an entry in ClinVar:

ClinVar aggregate classification (germline): Pathogenic (1 of 4 stars; one submission).

Conditions:
DYRK1A-related intellectual disability syndrome (MRD7). Also called: Intellectual developmental disorder, autosomal dominant 7; DYRK1A Syndrome. Identifiers: Orphanet 464306, MedGen C5568143, MONDO:0013578, OMIM 614104.

Submission:

Labcorp Genetics (formerly Invitae), Labcorp
Classification: Pathogenic for DYRK1A-related intellectual disability syndrome. Last evaluated: 2024-02-14. Review status: criteria provided, single submitter. Criteria: Invitae Variant Classification Sherloc (09022015). Collection method: clinical testing. Allele origin: germline.
Comment: This sequence change creates a premature translational stop signal (p.His653Glnfs*48) in the DYRK1A gene. While this is not anticipated to result in nonsense mediated decay, it is expected to disrupt the last 111 amino acid(s) of the DYRK1A protein. This variant is not present in population databases (gnomAD no frequency). This variant has not been reported in the literature in individuals affected with DYRK1A-related conditions. This variant disrupts a region of the DYRK1A protein in which other variant(s) (p.Gln681Argfs*22) have been determined to be pathogenic (Invitae). This suggests that this is a clinically significant region of the protein, and that variants that disrupt it are likely to be disease-causing. For these reasons, this variant has been classified as Pathogenic.

NM_001347721.2(DYRK1A):c.1932_1938del (p.His644fs)

Gene: DYRK1A (dual specificity tyrosine phosphorylation regulated kinase 1A; plus strand). Cytogenetic location: 21q22.13.
Variant type: Deletion.
Coding change: c.1932_1938del on transcript NM_001347721.2 (MANE Select); coding-DNA positions 1932 to 1938, 7 bases deleted (CTCCATG; older notation c.1932_1938delCTCCATG).
Protein change: p.His644fs; shifts the reading frame from histidine 644.
Molecular consequence: frameshift variant. On other transcripts: 3 prime UTR variant (2).
Genome position (GRCh38, 1-based): chr21:37,512,198-37,512,204, CTCCATG deleted. VCF-style (leftmost placement, unchanged base first): chr21-37512197-ACTCCATG-A. GRCh37 (hg19) VCF-style: chr21-38884500-ACTCCATG-A.
Other names: c.1932_1938del, p.His644fs (NM_001347722.2, NM_130436.2); c.1845_1851del, p.His615fs (NM_001347723.2); c.1959_1965del, p.His653fs (NM_001396.5); c.*335_*341del (NM_101395.2); c.*244_*250del (NM_130438.2); short protein forms H644fs, H615fs, H653fs.
Identifiers: ClinVar variation 3640698 (VCV003640698.2).